The following is an entry in ClinVar:

NM_001099922.3(ALG13):c.1532A>G (p.Asn511Ser)

Gene: ALG13 (ALG13 UDP-N-acetylglucosaminyltransferase subunit; plus strand). Cytogenetic location: Xq23.
Variant type: single nucleotide variant.
Coding change: c.1532A>G on transcript NM_001099922.3 (MANE Select); coding-DNA position 1532, A replaced by G.
Protein change: p.Asn511Ser; replaces asparagine 511 with serine.
Molecular consequence: missense variant.
Genome position (GRCh38, 1-based): chrX:111,723,829, A>G. VCF-style: chrX-111723829-A-G. GRCh37 (hg19) VCF-style: chrX-110967057-A-G.
Other names: c.1220A>G, p.Asn407Ser (NM_001257230.2, NM_001257234.2, NM_001257237.2); c.1298A>G, p.Asn433Ser (NM_001257231.2); c.1532A>G, p.Asn511Ser (NM_001324292.2); c.1046A>G, p.Asn349Ser (NM_001324293.1); short protein forms N349S, N407S, N433S, N511S.
Identifiers: ClinVar variation 2637047 (VCV002637047.2), dbSNP rs2525861997, ClinGen allele CA414251935.

ClinVar aggregate classification (germline): Uncertain significance. Review status: criteria provided, multiple submitters, no conflicts (2 of 4 stars). 2 submissions from 2 submitters: Uncertain significance (2). Last evaluated 2025-05-22.

Conditions:
ALG13-related disorder. Also called: ALG13-related condition.
Developmental and epileptic encephalopathy, 36 (DEE36). Also called: ALG13-CDG; Epileptic encephalopathy, early infantile, 36; Congenital disorder of glycosylation, type Is. Identifiers: Orphanet 324422, MedGen C4317295, MONDO:0010472, OMIM 300884.

Allele frequency attached by ClinVar (database versions not stated): gnomAD exomes below 0.00001.
gnomAD v4.1: 3 of 1,186,289 alleles (0.00025%); highest among the groups gnomAD compares: Non-Finnish European, 0.00034%; no homozygotes.

Submissions (2):

Labcorp Genetics (formerly Invitae), Labcorp
Classification: Uncertain significance for Developmental and epileptic encephalopathy, 36. Last evaluated: 2025-05-22. Review status: criteria provided, single submitter. Criteria: Invitae Variant Classification Sherloc (09022015). Collection method: clinical testing. Allele origin: germline.
Comment: This sequence change replaces asparagine, which is neutral and polar, with serine, which is neutral and polar, at codon 511 of the ALG13 protein (p.Asn511Ser). This variant is not present in population databases (gnomAD no frequency). This variant has not been reported in the literature in individuals affected with ALG13-related conditions. ClinVar contains an entry for this variant (Variation ID: 2637047). Invitae Evidence Modeling of protein sequence and biophysical properties (such as structural, functional, and spatial information, amino acid conservation, physicochemical variation, residue mobility, and thermodynamic stability) has been performed for this missense variant. However, the output from this modeling did not meet the statistical confidence thresholds required to predict the impact of this variant on ALG13 protein function. In summary, the available evidence is currently insufficient to determine the role of this variant in disease. Therefore, it has been classified as a Variant of Uncertain Significance.

PreventionGenetics, part of Exact Sciences
Classification: Uncertain significance for ALG13-related condition. Last evaluated: 2022-10-19. Review status: criteria provided, single submitter. Criteria: ACMG Guidelines, 2015. Collection method: clinical testing. Allele origin: germline.
Comment: The ALG13 c.1532A>G variant is predicted to result in the amino acid substitution p.Asn511Ser. To our knowledge, this variant has not been reported in the literature or in a large population database, indicating this variant is rare. At this time, the clinical significance of this variant is uncertain due to the absence of conclusive functional and genetic evidence.